The following is an entry in ClinVar:

ClinVar aggregate classification (germline): Benign/Likely benign. Review status: criteria provided, multiple submitters, no conflicts (2 of 4 stars). 5 submissions from 5 submitters: Benign (2); Likely benign (3). Last evaluated 2025-12-29.

Conditions:
Cerebral arteriopathy, autosomal dominant, with subcortical infarcts and leukoencephalopathy, type 1 (CADASIL1). Also called: CASIL; Cerebral arteriopathy with subcortical infarcts and leukoencephalopathy 1; CADASIL 1; DEMENTIA, HEREDITARY MULTIINFARCT TYPE. Identifiers: Orphanet 136, MedGen C4551768, MONDO:0000914, OMIM 125310.
NOTCH3-related disorder. Also called: NOTCH3-related disorders; NOTCH3-related condition.

Allele frequency attached by ClinVar (database versions not stated): gnomAD exomes 0.00005 and 0.00019; gnomAD 0.00007; ESP Exome Variant Server 0.00008; TOPMed 0.00011; ExAC 0.00013.
gnomAD v4.1: 75 of 1,611,980 alleles (0.0047%); highest among the groups gnomAD compares: Admixed American, 0.082%; no homozygotes.

Submissions (5):

Labcorp Genetics (formerly Invitae), Labcorp
Classification: Likely benign. Last evaluated: 2025-12-29. Review status: criteria provided, single submitter. Criteria: Invitae Variant Classification Sherloc (09022015). Collection method: clinical testing. Allele origin: germline.

PreventionGenetics, part of Exact Sciences
Classification: Likely benign for NOTCH3-related condition. Last evaluated: 2025-02-11. Review status: criteria provided, single submitter. Criteria: ACMG Guidelines, 2015. Collection method: clinical testing. Allele origin: germline.
Comment: This variant is classified as likely benign based on ACMG/AMP sequence variant interpretation guidelines (Richards et al. 2015 PMID: 25741868, with internal and published modifications).

Blueprint Genetics
Classification: Likely benign. Last evaluated: 2023-02-20. Review status: criteria provided, single submitter. Criteria: ACMG Guidelines, 2015. Collection method: clinical testing. Allele origin: germline.

Athena Diagnostics
Classification: Benign. Last evaluated: 2020-11-16. Review status: criteria provided, single submitter. Criteria: Athena Diagnostics criteria. Collection method: clinical testing. Allele origin: unknown.

Illumina Laboratory Services, Illumina
Classification: Benign for Cerebral arteriopathy, autosomal dominant, with subcortical infarcts and leukoencephalopathy, type 1. Last evaluated: 2018-01-12. Review status: criteria provided, single submitter. Criteria: ICSL Variant Classification Criteria 13 December 2019. Collection method: clinical testing. Allele origin: germline.
Comment: This variant was observed in the ICSL laboratory as part of a predisposition screen in an ostensibly healthy population. It had not been previously curated by ICSL or reported in the Human Gene Mutation Database (HGMD: prior to June 1st, 2018), and was therefore a candidate for classification through an automated scoring system. Utilizing variant allele frequency, disease prevalence and penetrance estimates, and inheritance mode, an automated score was calculated to assess if this variant is too frequent to cause the disease. Based on the score and internal cut-off values, a variant classified as benign is not then subjected to further curation. The score for this variant resulted in a classification of benign for this disease.

NM_000435.3(NOTCH3):c.5678G>A (p.Arg1893Gln)

Gene: NOTCH3 (notch receptor 3; minus strand). Cytogenetic location: 19p13.12.
Variant type: single nucleotide variant.
Coding change: c.5678G>A on transcript NM_000435.3 (MANE Select); coding-DNA position 5678, G replaced by A.
Protein change: p.Arg1893Gln; replaces arginine 1893 with glutamine.
Molecular consequence: missense variant.
Genome position (GRCh38, 1-based): chr19:15,165,505, C>T on the plus strand (G>A on the coding strand, the complement: NOTCH3 is on the minus strand). VCF-style: chr19-15165505-C-T. GRCh37 (hg19) VCF-style: chr19-15276316-C-T.
Other names: short protein forms R1893Q.
Identifiers: ClinVar variation 328378 (VCV000328378.15), dbSNP rs372834264, ClinGen allele CA9262562.
Genomic context (GRCh38, chr19:15,165,505, plus strand): 5'-GCCAGGATCAGTGCCGTTGAGCCATCTGCCATGCGGGCATCCAAGTCTGTAGAGCGGTTT[C>T]GGATGAGAATCTAGGACAGAGAGTGGATGCAGCAGGAGGGGTCATGGCAGGAACAGAGGA-3'
Protein context (NP_000426.2, residues 1883-1903): DAQGVFQILI[Arg1893Gln]NRSTDLDARM